The following is an entry in ClinVar:

ClinVar aggregate classification (germline): Uncertain significance. Review status: criteria provided, multiple submitters, no conflicts (2 of 4 stars). 2 submissions from 2 submitters: Uncertain significance (2). Last evaluated 2024-10-15.

Conditions:
Inborn genetic diseases. Identifiers: MedGen C0950123, MeSH D030342.
Joubert syndrome 21 (JBTS21). Identifiers: MedGen C3810212, MONDO:0014288, OMIM 615636.

gnomAD v4.1: 18 of 1,607,364 alleles (0.0011%); highest among the groups gnomAD compares: Non-Finnish European, 0.0014%; no homozygotes.

Submissions (2):

Labcorp Genetics (formerly Invitae), Labcorp
Classification: Uncertain significance for Joubert syndrome 21. Last evaluated: 2024-10-15. Review status: criteria provided, single submitter. Criteria: Invitae Variant Classification Sherloc (09022015). Collection method: clinical testing. Allele origin: germline.
Comment: This sequence change replaces valine, which is neutral and non-polar, with leucine, which is neutral and non-polar, at codon 681 of the CSPP1 protein (p.Val681Leu). This variant is present in population databases (no rsID available, gnomAD 0.002%). This variant has not been reported in the literature in individuals affected with CSPP1-related conditions. ClinVar contains an entry for this variant (Variation ID: 1368562). An algorithm developed to predict the effect of missense changes on protein structure and function (PolyPhen-2) suggests that this variant is likely to be disruptive. In summary, the available evidence is currently insufficient to determine the role of this variant in disease. Therefore, it has been classified as a Variant of Uncertain Significance.

Ambry Genetics
Classification: Uncertain significance for Inborn genetic diseases. Last evaluated: 2021-07-13. Review status: criteria provided, single submitter. Criteria: Ambry Variant Classification Scheme 2023. Collection method: clinical testing. Allele origin: germline.

NM_001382391.1(CSPP1):c.2056G>C (p.Val686Leu)

Gene: CSPP1 (centrosome and spindle pole associated protein 1; plus strand). Cytogenetic location: 8q13.2.
Variant type: single nucleotide variant.
Coding change: c.2056G>C on transcript NM_001382391.1 (MANE Select); coding-DNA position 2056, G replaced by C.
Protein change: p.Val686Leu; replaces valine 686 with leucine.
Molecular consequence: missense variant. On other transcripts: intron variant (3).
Genome position (GRCh38, 1-based): chr8:67,149,863, G>C. VCF-style: chr8-67149863-G-C. GRCh37 (hg19) VCF-style: chr8-68062098-G-C.
Other names: c.1975G>C, p.Val659Leu (NM_001363131.2); c.2122G>C, p.Val708Leu (NM_001364869.1); c.1942G>C, p.Val648Leu (NM_001364870.1); c.2041G>C, p.Val681Leu (NM_024790.7); c.1934-4161G>C (NM_001363132.2); c.1853-4161G>C (NM_001363133.2); c.1079-4161G>C (NM_001291339.2); short protein forms V659L, V681L, V648L, V708L, V686L.
Identifiers: ClinVar variation 1368562 (VCV001368562.9), dbSNP rs761009916, ClinGen allele CA178186676.